The following is an entry in ClinVar:

ClinVar aggregate classification (germline): Uncertain significance. Review status: criteria provided, multiple submitters, no conflicts (2 of 4 stars). 2 submissions from 2 submitters: Uncertain significance (2). Last evaluated 2025-12-28.

Conditions:
Inborn genetic diseases. Identifiers: MedGen C0950123, MeSH D030342.
Baller-Gerold syndrome (BGS). Also called: CRANIOSYNOSTOSIS WITH RADIAL DEFECTS. Identifiers: Orphanet 1225, MedGen C0265308, MONDO:0009039, OMIM 218600.

Allele frequency attached by ClinVar (database versions not stated): gnomAD exomes below 0.00001; ExAC 0.00001; gnomAD 0.00003; TOPMed 0.00004; 1000 Genomes Project 30x 0.00016; 1000 Genomes Project 0.00020.

Submissions (2):

Labcorp Genetics (formerly Invitae), Labcorp
Classification: Uncertain significance for Baller-Gerold syndrome. Last evaluated: 2025-12-28. Review status: criteria provided, single submitter. Criteria: Invitae Variant Classification Sherloc (09022015). Collection method: clinical testing. Allele origin: germline.
Comment: This sequence change replaces glycine, which is neutral and non-polar, with valine, which is neutral and non-polar, at codon 543 of the RECQL4 protein (p.Gly543Val). The frequency data for this variant in the population databases is considered unreliable, as metrics indicate poor data quality at this position in the gnomAD database. This variant has not been reported in the literature in individuals affected with RECQL4-related conditions. ClinVar contains an entry for this variant (Variation ID: 951806). Invitae Evidence Modeling of protein sequence and biophysical properties (such as structural, functional, and spatial information, amino acid conservation, physicochemical variation, residue mobility, and thermodynamic stability) indicates that this missense variant is expected to disrupt RECQL4 protein function with a positive predictive value of 80%. In summary, the available evidence is currently insufficient to determine the role of this variant in disease. Therefore, it has been classified as a Variant of Uncertain Significance.

Ambry Genetics
Classification: Uncertain significance for Inborn genetic diseases. Last evaluated: 2025-04-08. Review status: criteria provided, single submitter. Criteria: Ambry Variant Classification Scheme 2023. Collection method: clinical testing. Allele origin: germline.

NM_004260.4(RECQL4):c.1628G>T (p.Gly543Val)

Gene: RECQL4 (RecQ like helicase 4; minus strand). Cytogenetic location: 8q24.3.
Variant type: single nucleotide variant.
Coding change: c.1628G>T on transcript NM_004260.4 (MANE Select); coding-DNA position 1628, G replaced by T.
Protein change: p.Gly543Val; replaces glycine 543 with valine.
Molecular consequence: missense variant.
Genome position (GRCh38, 1-based): chr8:144,514,518, C>A on the plus strand (G>T on the coding strand, the complement: RECQL4 is on the minus strand). VCF-style: chr8-144514518-C-A. GRCh37 (hg19) VCF-style: chr8-145739902-C-A.
Other names: short protein forms G543V.
Identifiers: ClinVar variation 951806 (VCV000951806.10), dbSNP rs530780933, ClinGen allele CA4948734.